The following is an entry in ClinVar:

NM_001370466.1(NOD2):c.1066G>A (p.Glu356Lys)

Gene: NOD2 (nucleotide binding oligomerization domain containing 2; plus strand). Cytogenetic location: 16q12.1.
Variant type: single nucleotide variant.
Coding change: c.1066G>A on transcript NM_001370466.1 (MANE Select); coding-DNA position 1066, G replaced by A.
Protein change: p.Glu356Lys; replaces glutamic acid 356 with lysine.
Molecular consequence: missense variant. On other transcripts: non-coding transcript variant (1).
Genome position (GRCh38, 1-based): chr16:50,711,058, G>A. VCF-style: chr16-50711058-G-A. GRCh37 (hg19) VCF-style: chr16-50744969-G-A.
Other names: c.1147G>A, p.Glu383Lys (LRG_177t1, NM_022162.3); c.1066G>A, p.Glu356Lys (NM_001293557.2); short protein forms E383K, E356K.
Identifiers: ClinVar variation 4701 (VCV000004701.13), dbSNP rs104895477, ClinGen allele CA117031.

ClinVar aggregate classification (germline): Pathogenic. Review status: criteria provided, single submitter (1 of 4 stars). 3 submissions from 3 submitters: Pathogenic (1). 2 of the submissions do not count toward it. Last evaluated 2024-09-18.

Conditions:
Regional enteritis. Also called: Enteritis, Granulomatous. Identifiers: MedGen C0678202, MeSH D003424.
Blau syndrome (BLAUS). Also called: GRANULOMATOSIS, FAMILIAL JUVENILE SYSTEMIC; GRANULOMATOSIS, FAMILIAL, BLAU TYPE; GRANULOMATOUS INFLAMMATORY ARTHRITIS, DERMATITIS, AND UVEITIS, FAMILIAL; JABS SYNDROME; ARTHROCUTANEOUVEAL GRANULOMATOSIS. Identifiers: Orphanet 90340, MedGen C5201146, MONDO:0008523, OMIM 186580.

gnomAD v4.1: 2 of 1,614,144 alleles (0.00012%); highest among the groups gnomAD compares: Non-Finnish European, 0.00017%; no homozygotes.

Submissions (3):

Labcorp Genetics (formerly Invitae), Labcorp
Classification: Pathogenic for Regional enteritis; Blau syndrome. Last evaluated: 2024-09-18. Review status: criteria provided, single submitter. Criteria: Invitae Variant Classification Sherloc (09022015). Collection method: clinical testing. Allele origin: germline.
Comment: This sequence change replaces glutamic acid, which is acidic and polar, with lysine, which is basic and polar, at codon 383 of the NOD2 protein (p.Glu383Lys). This variant is not present in population databases (gnomAD no frequency). This missense change has been observed in individual(s) with Blau syndrome (PMID: 15812565, 18718560, 19479836, 20565245, 25136265, 27339507). It has also been observed to segregate with disease in related individuals. ClinVar contains an entry for this variant (Variation ID: 4701). Invitae Evidence Modeling of protein sequence and biophysical properties (such as structural, functional, and spatial information, amino acid conservation, physicochemical variation, residue mobility, and thermodynamic stability) indicates that this missense variant is expected to disrupt NOD2 protein function with a positive predictive value of 80%. Experimental studies have shown that this missense change affects NOD2 function (PMID: 25093298, 25829188). For these reasons, this variant has been classified as Pathogenic.

OMIM
Classification: Pathogenic for BLAU SYNDROME. Last evaluated: 2005-06-01. Review status: no assertion criteria provided. Collection method: literature only. Allele origin: germline. Not counted in ClinVar's aggregate classification.

Unité médicale des maladies autoinflammatoires, CHRU Montpellier
No classification provided. Condition: Sarcoidosis, early-onset. Review status: no classification provided. Collection method: not provided. Allele origin: unknown. Not counted in ClinVar's aggregate classification.
Comment: also involved in OMIM 186580 and 266600

Literature cited by the submitters: PubMed 15812565 (cited by Labcorp Genetics (formerly Invitae), Labcorp and OMIM); PubMed 18718560 (cited by Labcorp Genetics (formerly Invitae), Labcorp); PubMed 19479836 (cited by Labcorp Genetics (formerly Invitae), Labcorp); PubMed 20565245 (cited by Labcorp Genetics (formerly Invitae), Labcorp); PubMed 25136265 (cited by Labcorp Genetics (formerly Invitae), Labcorp); PubMed 27339507 (cited by Labcorp Genetics (formerly Invitae), Labcorp); PubMed 25093298 (cited by Labcorp Genetics (formerly Invitae), Labcorp); PubMed 25829188 (cited by Labcorp Genetics (formerly Invitae), Labcorp).